The following is an entry in ClinVar:

ClinVar aggregate classification (germline): Uncertain significance. Review status: criteria provided, multiple submitters, no conflicts (2 of 4 stars). 2 submissions from 2 submitters: Uncertain significance (2). Last evaluated 2019-09-02.

Conditions:
Early-infantile DEE. Also called: Early infantile epileptic encephalopathy; Ohtahara syndrome; Early infantile epileptic encephalopathy with suppression bursts. Identifiers: Orphanet 1934, MedGen C0393706, MONDO:0800491.

Allele frequency attached by ClinVar (database versions not stated): gnomAD exomes below 0.00001; TOPMed below 0.00001; gnomAD 0.00001.
gnomAD v4.1: 6 of 1,591,732 alleles (0.00038%); highest among the groups gnomAD compares: South Asian, 0.0022%; no homozygotes.

Submissions (2):

Labcorp Genetics (formerly Invitae), Labcorp
Classification: Uncertain significance for Early-infantile DEE. Last evaluated: 2019-09-02. Review status: criteria provided, single submitter. Criteria: Invitae Variant Classification Sherloc (09022015). Collection method: clinical testing. Allele origin: germline.
Comment: In summary, the available evidence is currently insufficient to determine the role of this variant in disease. Therefore, it has been classified as a Variant of Uncertain Significance. Algorithms developed to predict the effect of missense changes on protein structure and function are either unavailable or do not agree on the potential impact of this missense change (SIFT: "Deleterious"; PolyPhen-2: "Probably Damaging"; Align-GVGD: "Class C0"). This variant has not been reported in the literature in individuals with HCN1-related conditions. ClinVar contains an entry for this variant (Variation ID: 497543). This variant is not present in population databases (ExAC no frequency). This sequence change replaces glycine with aspartic acid at codon 80 of the HCN1 protein (p.Gly80Asp). The glycine residue is moderately conserved and there is a moderate physicochemical difference between glycine and aspartic acid.

Eurofins Ntd Llc (ga)
Classification: Uncertain significance. Last evaluated: 2016-10-25. Review status: criteria provided, single submitter. Criteria: EGL Classification Definitions 2015. Collection method: clinical testing. Allele origin: germline. Observed: 1 variant allele, 1 heterozygote.

NM_021072.4(HCN1):c.239G>A (p.Gly80Asp)

Gene: HCN1 (hyperpolarization activated cyclic nucleotide gated potassium channel 1; minus strand). Cytogenetic location: 5p12.
Variant type: single nucleotide variant.
Coding change: c.239G>A on transcript NM_021072.4 (MANE Select); coding-DNA position 239, G replaced by A.
Protein change: p.Gly80Asp; replaces glycine 80 with aspartic acid.
Molecular consequence: missense variant.
Genome position (GRCh38, 1-based): chr5:45,695,855, C>T on the plus strand (G>A on the coding strand, the complement: HCN1 is on the minus strand). VCF-style: chr5-45695855-C-T. GRCh37 (hg19) VCF-style: chr5-45695957-C-T.
Other names: short protein forms G80D.
Identifiers: ClinVar variation 497543 (VCV000497543.15), dbSNP rs1252720341, ClinGen allele CA359706459.
Genomic context (GRCh38, chr5:45,695,855, plus strand): 5'-GAGGTGAACTGCCTCTGCATGAAGCCGTACTGCCGCCGGGGCCCCTCGGCGTCTTCGAAG[C>T]CCCCCGCCGGCTCCTCGCCGCCGCCGCCGCCGCCGCCACCGCCGCCACCGCCGTCCACCT-3'
Protein context (NP_066550.2, residues 70-90): GGGGGEEPAG[Gly80Asp]FEDAEGPRRQ